The following is an entry in ClinVar:

NM_006237.4(POU4F1):c.421_425del (p.Gly141fs)

Genes: OBI1-AS1 (OBI1 antisense RNA 1; plus strand), POU4F1 (POU class 4 homeobox 1; minus strand). Cytogenetic location: 13q31.1.
Variant type: Deletion.
Coding change: c.421_425del on transcript NM_006237.4 (MANE Select); coding-DNA positions 421 to 425, 5 bases deleted (GGCGG; older notation c.421_425delGGCGG).
Protein change: p.Gly141fs; shifts the reading frame from glycine 141.
Molecular consequence: frameshift variant.
Genome position (GRCh38, 1-based): chr13:78,602,250-78,602,254, CCGCC deleted on the plus strand (GGCGG on the coding strand, the reverse complement: POU4F1 is on the minus strand). VCF-style (leftmost placement, unchanged base first): chr13-78602249-GCCGCC-G. GRCh37 (hg19) VCF-style: chr13-79176384-GCCGCC-G.
Other names: short protein forms G141fs.
Identifiers: ClinVar variation 4527693 (VCV004527693.1).

ClinVar aggregate classification (germline): Uncertain significance (1 of 4 stars; one submission).

Submission:

GeneDx
Classification: Uncertain significance. Last evaluated: 2025-05-03. Review status: criteria provided, single submitter. Criteria: GeneDx Variant Classification Process June 2021. Collection method: clinical testing. Allele origin: germline. Affected: yes.
Comment: Not observed at significant frequency in large population cohorts (gnomAD); Frameshift variant predicted to result in abnormal protein length as the last 279 amino acid(s) are replaced with 205 different amino acid(s); Has not been previously published as pathogenic or benign to our knowledge